The following is an entry in ClinVar:

ClinVar aggregate classification (germline): Conflicting classifications of pathogenicity. Review status: criteria provided, conflicting classifications (1 of 4 stars). 6 submissions from 6 submitters: Uncertain significance (1); Likely benign (5). Last evaluated 2025-11-16.

Conditions:
TTN-related disorder. Also called: TTN-related condition; TTN-related disease; TTN-related disorders.
Cardiovascular phenotype. Identifiers: MedGen CN230736.
Dilated cardiomyopathy 1G (CMD1G). Identifiers: Orphanet 154, MedGen C1858763, MONDO:0011400, OMIM 604145.
Autosomal recessive limb-girdle muscular dystrophy type 2J (LGMDR10). Also called: Limb-girdle muscular dystrophy, type 2J; MUSCULAR DYSTROPHY, LIMB-GIRDLE, AUTOSOMAL RECESSIVE 10. Identifiers: Orphanet 140922, MedGen C1837342, MONDO:0012127, OMIM 608807.

Allele frequency attached by ClinVar (database versions not stated): ExAC 0.00004; gnomAD exomes 0.00004 and 0.00008; gnomAD 0.00007; ESP Exome Variant Server 0.00008; TOPMed 0.00008.

Submissions (6):

Labcorp Genetics (formerly Invitae), Labcorp
Classification: Likely benign for Dilated cardiomyopathy 1G; Autosomal recessive limb-girdle muscular dystrophy type 2J. Last evaluated: 2025-11-16. Review status: criteria provided, single submitter. Criteria: Invitae Variant Classification Sherloc (09022015). Collection method: clinical testing. Allele origin: germline.

PreventionGenetics, part of Exact Sciences
Classification: Likely benign for TTN-related condition. Last evaluated: 2025-09-04. Review status: criteria provided, single submitter. Criteria: ACMG Guidelines, 2015. Collection method: clinical testing. Allele origin: germline.
Comment: This variant is classified as likely benign based on ACMG/AMP sequence variant interpretation guidelines (Richards et al. 2015 PMID: 25741868, with internal and published modifications).

Blueprint Genetics
Classification: Likely benign. Last evaluated: 2023-05-05. Review status: criteria provided, single submitter. Criteria: ACMG Guidelines, 2015. Collection method: clinical testing. Allele origin: germline.

Ambry Genetics
Classification: Likely benign for Cardiovascular phenotype. Last evaluated: 2021-03-16. Review status: criteria provided, single submitter. Criteria: Ambry Variant Classification Scheme 2023. Collection method: clinical testing. Allele origin: germline.

GeneDx
Classification: Likely benign. Last evaluated: 2017-12-28. Review status: criteria provided, single submitter. Criteria: GeneDx Variant Classification (06012015). Collection method: clinical testing. Allele origin: germline. Affected: yes.
Comment: This variant is considered likely benign or benign based on one or more of the following criteria: it is a conservative change, it occurs at a poorly conserved position in the protein, it is predicted to be benign by multiple in silico algorithms, and/or has population frequency not consistent with disease.

Eurofins Ntd Llc (ga)
Classification: Uncertain significance. Last evaluated: 2017-02-28. Review status: criteria provided, single submitter. Criteria: EGL Classification Definitions 2015. Collection method: clinical testing. Allele origin: germline. Observed: 3 variant alleles, 3 heterozygotes.

NM_001267550.2(TTN):c.69660A>G (p.Ala23220=)

Genes: TTN (titin; minus strand), TTN-AS1 (TTN antisense RNA 1; plus strand), LOC126806422 (BRD4-independent group 4 enhancer GRCh37_chr2:179440205-179441404; plus strand). Cytogenetic location: 2q31.2.
Variant type: single nucleotide variant.
Coding change: c.69660A>G on transcript NM_001267550.2 (MANE Select); coding-DNA position 69660, A replaced by G.
Protein change: p.Ala23220=; no amino-acid change (alanine 23220 retained).
Molecular consequence: synonymous variant.
Genome position (GRCh38, 1-based): chr2:178,576,584, T>C on the plus strand (A>G on the coding strand, the complement: TTN is on the minus strand). VCF-style: chr2-178576584-T-C. GRCh37 (hg19) VCF-style: chr2-179441311-T-C.
Other names: c.64737A>G, p.Ala21579= (NM_001256850.1); c.42465A>G, p.Ala14155= (NM_003319.4); c.61956A>G, p.Ala20652= (NM_133378.4); c.42840A>G, p.Ala14280= (NM_133432.3); c.43041A>G, p.Ala14347= (NM_133437.4).
Identifiers: ClinVar variation 497194 (VCV000497194.20), dbSNP rs371996901, ClinGen allele CA1990907.